The following is an entry in ClinVar:

NM_003242.6(TGFBR2):c.1526G>T (p.Gly509Val)

Gene: TGFBR2 (transforming growth factor beta receptor 2; plus strand). Cytogenetic location: 3p24.1.
Variant type: single nucleotide variant.
Coding change: c.1526G>T on transcript NM_003242.6 (MANE Select); coding-DNA position 1526, G replaced by T.
Protein change: p.Gly509Val; replaces glycine 509 with valine.
Molecular consequence: missense variant.
Genome position (GRCh38, 1-based): chr3:30,691,421, G>T. VCF-style: chr3-30691421-G-T. GRCh37 (hg19) VCF-style: chr3-30732913-G-T.
Other names: p.G509V:GGC>GTC; c.1601G>T, p.Gly534Val (NM_001024847.3); c.1709G>T, p.Gly570Val (NM_001407126.1); c.1634G>T, p.Gly545Val (NM_001407127.1); c.1553G>T, p.Gly518Val (NM_001407128.1); c.1529G>T, p.Gly510Val (NM_001407129.1); c.1523G>T, p.Gly508Val (NM_001407130.1); c.1421G>T, p.Gly474Val (NM_001407132.1, NM_001407133.1, NM_001407134.1 and 2 more transcripts); and 3 more; short protein forms G509V, G534V, G474V, G389V, G508V, G510V, G518V, G219V.
Identifiers: ClinVar variation 213935 (VCV000213935.19), dbSNP rs863223853, ClinGen allele CA320238.

ClinVar aggregate classification (germline): Conflicting classifications of pathogenicity. Review status: criteria provided, conflicting classifications (1 of 4 stars). 5 submissions from 5 submitters: Likely pathogenic (2); Uncertain significance (3). Last evaluated 2024-09-30.

Conditions:
Isolated thoracic aortic aneurysm.
Familial thoracic aortic aneurysm and aortic dissection (TAAD). Also called: Thoracic aortic aneurysms and dissections. Identifiers: Orphanet 91387, MedGen C4707243, MONDO:0019625.

gnomAD v4.1: 1 of 1,613,898 alleles (0.000062%); highest among the groups gnomAD compares: Non-Finnish European, 0.000085%; no homozygotes.

Submissions (5):

Labcorp Genetics (formerly Invitae), Labcorp
Classification: Likely pathogenic for Familial thoracic aortic aneurysm and aortic dissection. Last evaluated: 2024-09-30. Review status: criteria provided, single submitter. Criteria: Invitae Variant Classification Sherloc (09022015). Collection method: clinical testing. Allele origin: germline.
Comment: This sequence change replaces glycine, which is neutral and non-polar, with valine, which is neutral and non-polar, at codon 509 of the TGFBR2 protein (p.Gly509Val). This variant is not present in population databases (gnomAD no frequency). This missense change has been observed in individuals with thoracic aortic aneurysm and dissection (PMID: 33824467; internal data). It has also been observed to segregate with disease in related individuals. ClinVar contains an entry for this variant (Variation ID: 213935). An algorithm developed to predict the effect of missense changes on protein structure and function (PolyPhen-2) suggests that this variant is likely to be disruptive. In summary, the currently available evidence indicates that the variant is pathogenic, but additional data are needed to prove that conclusively. Therefore, this variant has been classified as Likely Pathogenic.

GeneDx
Classification: Uncertain significance. Last evaluated: 2022-08-23. Review status: criteria provided, single submitter. Criteria: GeneDx Variant Classification Process June 2021. Collection method: clinical testing. Allele origin: germline. Affected: yes.
Comment: Not observed at significant frequency in large population cohorts (gnomAD); In silico analysis supports that this missense variant has a deleterious effect on protein structure/function; This variant is associated with the following publications: (PMID: 33824467, 21949523)

CHEO Genetics Diagnostic Laboratory, Children's Hospital of Eastern Ontario
Classification: Uncertain significance for Familial thoracic aortic aneurysm and aortic dissection. Last evaluated: 2020-02-14. Review status: criteria provided, single submitter. Criteria: ACMG Guidelines, 2015. Collection method: clinical testing. Allele origin: germline.

Department of Vascular Biology, Beijing Anzhen Hospital
Classification: Likely pathogenic for Isolated thoracic aortic aneurysm. Last evaluated: 2018-09-01. Review status: criteria provided, single submitter. Criteria: ACMG Guidelines, 2015. Collection method: research. Allele origin: germline. Affected: yes.

Women's Health and Genetics/Laboratory Corporation of America, LabCorp
Classification: Uncertain significance. Last evaluated: 2016-11-15. Review status: criteria provided, single submitter. Criteria: LabCorp Variant Classification Summary - May 2015. Collection method: clinical testing. Allele origin: germline.
Comment: Variant summary: The TGFBR2 c.1526G>T (p.Gly509Val) variant located in the protein kinase-like domain (via InterPro) causes a missense change involving a conserved nucleotide, which 4/4 in silico tools (SNPs&GO not captured due to low reliability index) predict a damaging outcome, although these predictions have yet to be functionally assessed. The variant of interest was not observed in controls (ExAC, 1000 Gs, or ESP) and has been reported in one affected individual as a de novo event. A clinical diagnostic laboratory cites the variant as "pathogenic." In addition, other nearby TGFBR2 variants, Arg497Gln, Cys514Arg, and Ile510Ser, therefore suggesting the functional importance of this region. Taking all available lines of evidence into consideration, the variant of interest has been classified as a "Variant of Uncertain Significance - Possibly Pathogenic," until additional information becomes available.

Literature cited by the submitters: PubMed 33824467 (cited by Labcorp Genetics (formerly Invitae), Labcorp); PubMed 21949523 (cited by Women's Health and Genetics/Laboratory Corporation of America, LabCorp).